The following is an entry in ClinVar:

ClinVar aggregate classification (germline): Uncertain significance (1 of 4 stars; one submission).

gnomAD v4.1: 18 of 1,211,627 alleles (0.0015%); highest among the groups gnomAD compares: Non-Finnish European, 0.002%; no homozygotes.

Submission:

GeneDx
Classification: Uncertain significance. Last evaluated: 2023-04-11. Review status: criteria provided, single submitter. Criteria: GeneDx Variant Classification Process June 2021. Collection method: clinical testing. Allele origin: germline. Affected: yes.
Comment: Not observed at significant frequency in large population cohorts (gnomAD); In silico analysis supports that this missense variant has a deleterious effect on protein structure/function; Has not been previously published as pathogenic or benign to our knowledge

NM_001379451.1(BCORL1):c.2231A>G (p.His744Arg)

Gene: BCORL1 (BCL6 corepressor like 1; plus strand). Cytogenetic location: Xq26.1.
Variant type: single nucleotide variant.
Coding change: c.2231A>G on transcript NM_001379451.1 (MANE Select); coding-DNA position 2231, A replaced by G.
Protein change: p.His744Arg; replaces histidine 744 with arginine.
Molecular consequence: missense variant.
Genome position (GRCh38, 1-based): chrX:130,015,003, A>G. VCF-style: chrX-130015003-A-G. GRCh37 (hg19) VCF-style: chrX-129148979-A-G.
Other names: c.2231A>G, p.His744Arg (NM_001184772.3, NM_001379450.1, NM_021946.5); short protein forms H744R.
Identifiers: ClinVar variation 3343079 (VCV003343079.1).
Genomic context (GRCh38, chrX:130,015,003, plus strand): 5'-TGCCTGCATCCCTGCTGCTGAACAAAGACCCCAACCTGGGCCTCAACCGTGACCCCCGCC[A>G]TCTCCCCAAGCAGGAGCCCATCTCCATCATTGATCAAGGAGAGCCTAAGGGCACTGGTGC-3'
Protein context (NP_001366380.1, residues 734-754): PNLGLNRDPR[His744Arg]LPKQEPISII